The following is an entry in ClinVar:

ClinVar aggregate classification (germline): Pathogenic (1 of 4 stars; one submission).
ClinVar aggregate classification (oncogenicity): Uncertain significance (1 of 4 stars; one submission).

Conditions:
Shashi-Pena syndrome (SHAPNS). Identifiers: Orphanet 689408, MedGen C4310672, MONDO:0014963, OMIM 617190.
Neoplasm. Also called: Neoplasms; Neoplasm (disease); tumor. Identifiers: MedGen C0027651, MeSH D009369, MONDO:0005070, HP:0002664.

gnomAD v4.1: 1 of 1,522,198 alleles (0.000066%); highest among the groups gnomAD compares: Non-Finnish European, 0.000088%; no homozygotes.

Submissions (2):

Center for Genomic Medicine, Rigshospitalet, Copenhagen University Hospital
Classification: Uncertain significance for Neoplasm. Last evaluated: 2025-12-29. Review status: criteria provided, single submitter. Criteria: ClinGen/CGC/VICC Guidelines for Oncogenicity, 2022. Collection method: clinical testing. Allele origin: somatic. Affected: yes.

Victorian Clinical Genetics Services, Murdoch Childrens Research Institute
Classification: Pathogenic for Shashi-Pena syndrome. Last evaluated: 2024-10-08. Review status: criteria provided, single submitter. Criteria: ACMG Guidelines, 2015. Collection method: clinical testing. Allele origin: germline. Inheritance: Autosomal dominant inheritance. Affected: yes.
Comment: Based on the classification scheme VCGS_Germline_v1.3.4, this variant is classified as Pathogenic. Following criteria are met: 0105 - The mechanism of disease for this gene is not clearly established. Functional studies suggest dominant negative as a likely mechanism as PTCs are shown to cluster in two hotspots of the gene and escape NMD resulting in truncated proteins (PMID: 27693232). (I) 0107 - This gene is associated with autosomal dominant disease. (I) 0204 - Variant is predicted to result in a truncated protein (premature termination codon is NOT located at least 54 nucleotides upstream of the final exon-exon junction) with at least 1/3 of the protein sequence affected. (SP) 0251 - This variant is heterozygous. (I) 0301 - Variant is absent from gnomAD (both v2 and v3). (SP) 0600 - Variant truncates the annotated PHD 3 domain (DECIPHER). (I) 0701 - Other truncating variants comparable to the one identified in this case have very strong previous evidence for pathogenicity (DECIPHER, PMID: 27693232). (SP) 0803 - This variant has limited previous evidence of pathogenicity in an unrelated individual. This variant has been classified as pathogenic by a clinical laboratory in LOVD. (SP) 0905 - No published segregation evidence has been identified for this variant. (I) 1007 - No published functional evidence has been identified for this variant. (SP) Legend: (SP) - Supporting pathogenic, (I) - Information, (SB) - Supporting benign

Literature cited by the submitters: PubMed 28516957 (cited by Center for Genomic Medicine, Rigshospitalet, Copenhagen University Hospital); PubMed 30251205 (cited by Center for Genomic Medicine, Rigshospitalet, Copenhagen University Hospital); PubMed 27693232 (cited by Victorian Clinical Genetics Services, Murdoch Childrens Research Institute).

NM_018263.6(ASXL2):c.1840C>T (p.Arg614Ter)

Gene: ASXL2 (ASXL transcriptional regulator 2; minus strand). Cytogenetic location: 2p23.3.
Variant type: single nucleotide variant.
Coding change: c.1840C>T on transcript NM_018263.6 (MANE Select); coding-DNA position 1840, C replaced by T.
Protein change: p.Arg614Ter; replaces arginine 614 with a stop codon.
Molecular consequence: nonsense.
Genome position (GRCh38, 1-based): chr2:25,749,716, G>A on the plus strand (C>T on the coding strand, the complement: ASXL2 is on the minus strand). VCF-style: chr2-25749716-G-A. GRCh37 (hg19) VCF-style: chr2-25972585-G-A.
Other names: c.1666C>T, p.Arg556Ter (NM_001369346.1); c.1060C>T, p.Arg354Ter (NM_001369347.1); short protein forms R354*, R556*, R614*.
Identifiers: ClinVar variation 3377014 (VCV003377014.2).